The following is an entry in ClinVar:

NM_000059.4(BRCA2):c.8436dup (p.Gly2813fs)

Gene: BRCA2 (BRCA2 DNA repair associated; plus strand). Cytogenetic location: 13q13.1.
Variant type: Duplication.
Coding change: c.8436dup on transcript NM_000059.4 (MANE Select); coding-DNA position 8436, one base duplicated (A; older notation c.8436dupA).
Protein change: p.Gly2813fs; shifts the reading frame from glycine 2813.
Molecular consequence: frameshift variant.
Genome position (GRCh38, 1-based): chr13:32,370,506, A duplicated. VCF-style (leftmost placement, unchanged base first): chr13-32370505-G-GA. GRCh37 (hg19) VCF-style: chr13-32944642-G-GA.
Other names: 8664insA; c.8436dupA (NM_000059.3); short protein forms G2813fs.
Identifiers: ClinVar variation 52587 (VCV000052587.4), dbSNP rs80359710, ClinGen allele CA025644.
Genomic context (GRCh38, chr13:32,370,505, plus strand): 5'-TTGGATTCTTTCCTGACCCTAGACCTTTTCCTCTGCCCTTATCATCGCTTTTCAGTGATG[G>GA]AGGAAATGTTGGTTGTGTTGATGTAATTATTCAAAGAGCATACCCTATACAGGTATGATG-3'

ClinVar aggregate classification (germline): Pathogenic. Review status: reviewed by expert panel (3 of 4 stars). 2 submissions from 2 submitters: Pathogenic (1). 1 of the submissions does not count toward it. Last evaluated 2016-09-08.

Conditions:
Breast-ovarian cancer, familial, susceptibility to, 2 (BROVCA2). Also called: BRCA2 Hereditary Breast and Ovarian Cancer. Identifiers: Orphanet 145, MedGen C2675520, MONDO:0012933, OMIM 612555. Disease mechanism: loss of function.

Submissions (2):

Evidence-based Network for the Interpretation of Germline Mutant Alleles (ENIGMA)
Classification: Pathogenic for Breast-ovarian cancer, familial, susceptibility to, 2. Last evaluated: 2016-09-08. Review status: reviewed by expert panel. Criteria: ENIGMA BRCA1/2 Classification Criteria (2015). Collection method: curation. Allele origin: germline.
Comment: Variant allele predicted to encode a truncated non-functional protein.

Breast Cancer Information Core (BIC) (BRCA2)
Classification: Pathogenic for Breast-ovarian cancer, familial 2. Review status: no assertion criteria provided. Collection method: clinical testing. Allele origin: unknown. Affected: yes. Observed: 1 variant allele. Not counted in ClinVar's aggregate classification.